The following is an entry in ClinVar:

ClinVar aggregate classification (germline): Likely benign. Review status: criteria provided, single submitter (1 of 4 stars). 2 submissions from 2 submitters: Likely benign (1). 1 of the submissions does not count toward it. Last evaluated 2025-08-02.

Conditions:
FAM98C-related disorder. Also called: FAM98C-related condition.

Allele frequency attached by ClinVar (database versions not stated): 1000 Genomes Project 0.00040; 1000 Genomes Project 30x 0.00062; ESP Exome Variant Server 0.00089; ExAC 0.00297.
gnomAD v4.1: 3,350 of 1,408,518 alleles (0.24%); highest among the groups gnomAD compares: Non-Finnish European, 0.28%; 5 homozygotes.

Submissions (2):

Ambry Genetics
Classification: Likely benign. Last evaluated: 2025-08-02. Review status: criteria provided, single submitter. Criteria: Ambry Variant Classification Scheme 2023. Collection method: clinical testing. Allele origin: germline.

PreventionGenetics, part of Exact Sciences
Classification: Likely benign for FAM98C-related condition. Last evaluated: 2019-07-15. Review status: no assertion criteria provided. Collection method: clinical testing. Allele origin: germline. Not counted in ClinVar's aggregate classification.
Comment: This variant is classified as likely benign based on ACMG/AMP sequence variant interpretation guidelines (Richards et al. 2015 PMID: 25741868, with internal and published modifications).

NM_174905.4(TSLIG3C):c.309G>T (p.Ala103=)

Gene: TSLIG3C (tRNA splicing ligase complex subunit 3C; plus strand). Cytogenetic location: 19q13.2.
Variant type: single nucleotide variant.
Coding change: c.309G>T on transcript NM_174905.4 (MANE Select); coding-DNA position 309, G replaced by T.
Protein change: p.Ala103=; no amino-acid change (alanine 103 retained).
Molecular consequence: synonymous variant.
Genome position (GRCh38, 1-based): chr19:38,403,654, G>T. VCF-style: chr19-38403654-G-T. GRCh37 (hg19) VCF-style: chr19-38894294-G-T.
Other names: c.309G>T, p.Ala103= (NM_001351675.1).
Identifiers: ClinVar variation 3033480 (VCV003033480.3), dbSNP rs369190079, ClinGen allele CA9414841.